The following is an entry in ClinVar:

ClinVar aggregate classification (germline): Uncertain significance (1 of 4 stars; one submission).

Submission:

CeGaT Center for Human Genetics Tuebingen
Classification: Uncertain significance. Last evaluated: 2022-09-01. Review status: criteria provided, single submitter. Criteria: CeGaT Center For Human Genetics Tuebingen Variant Classification Criteria Version 2. Collection method: clinical testing. Allele origin: germline. Affected: yes. Observed: 1 variant allele.
Comment: PUS1: PM2

NM_025215.6(PUS1):c.248A>G (p.Lys83Arg)

Gene: PUS1 (pseudouridine synthase 1; plus strand). Cytogenetic location: 12q24.33.
Variant type: single nucleotide variant.
Coding change: c.248A>G on transcript NM_025215.6 (MANE Select); coding-DNA position 248, A replaced by G.
Protein change: p.Lys83Arg; replaces lysine 83 with arginine.
Molecular consequence: missense variant.
Genome position (GRCh38, 1-based): chr12:131,930,080, A>G. VCF-style: chr12-131930080-A-G. GRCh37 (hg19) VCF-style: chr12-132414625-A-G.
Other names: c.164A>G, p.Lys55Arg (NM_001002019.3, NM_001002020.3); short protein forms K55R, K83R.
Identifiers: ClinVar variation 1711361 (VCV001711361.30), dbSNP rs2541389566, ClinGen allele CA387297429.